The following is an entry in ClinVar:

NM_001035.3(RYR2):c.6265C>T (p.His2089Tyr)

Gene: RYR2 (ryanodine receptor 2; plus strand). Cytogenetic location: 1q43.
Variant type: single nucleotide variant.
Coding change: c.6265C>T on transcript NM_001035.3 (MANE Select); coding-DNA position 6265, C replaced by T.
Protein change: p.His2089Tyr; replaces histidine 2089 with tyrosine.
Molecular consequence: missense variant.
Genome position (GRCh38, 1-based): chr1:237,627,905, C>T. VCF-style: chr1-237627905-C-T. GRCh37 (hg19) VCF-style: chr1-237791205-C-T.
Other names: c.6265C>T, p.His2089Tyr (LRG_402t1); short protein forms H2089Y.
Identifiers: ClinVar variation 392485 (VCV000392485.18), dbSNP rs1057524513, ClinGen allele CA16603640.
Genomic context (GRCh38, chr1:237,627,905, plus strand): 5'-TGGGCTCAGGAGTCTGTCATTGAAGACCCCGAGCTGGTGAGGGCCATGTTTGTGTTGCTC[C>T]ATCGGCAGTATGACGGCATTGGGGGTCTTGTTCGGGCCCTGCCAAAGACCTACACGATAA-3'
Protein context (NP_001026.2, residues 2079-2099): ELVRAMFVLL[His2089Tyr]RQYDGIGGLV

ClinVar aggregate classification (germline): Conflicting classifications of pathogenicity. Review status: criteria provided, conflicting classifications (1 of 4 stars). 7 submissions from 7 submitters: Uncertain significance (6); Likely benign (1). Last evaluated 2026-08-19.

Conditions:
Cardiovascular phenotype. Identifiers: MedGen CN230736.
Catecholaminergic polymorphic ventricular tachycardia 1. Also called: RYR2-Related Catecholaminergic Polymorphic Ventricular Tachycardia; VENTRICULAR TACHYCARDIA, CATECHOLAMINERGIC POLYMORPHIC, 1, WITH OR WITHOUT ATRIAL DYSFUNCTION AND/OR DILATED CARDIOMYOPATHY; VENTRICULAR TACHYCARDIA, STRESS-INDUCED POLYMORPHIC 1. Identifiers: Orphanet 3286, MedGen C1631597, MONDO:0011484, OMIM 604772.
Cardiomyopathy (CMYO). Also called: Cardiomyopathies. Identifiers: Orphanet 167848, MedGen C0878544, MONDO:0004994, HP:0001638. Inheritance: Various modes of inheritance.
Arrhythmogenic right ventricular dysplasia 2. Identifiers: MedGen C1832931.
Ventricular arrhythmias due to cardiac ryanodine receptor calcium release deficiency syndrome. Also called: Autosomal dominant cardiac arrhythmia (Kuhn). Identifiers: MedGen C5542154, MONDO:0020745, OMIM 115000.
Catecholaminergic polymorphic ventricular tachycardia (CVPT). Also called: Catecholamine-induced polymorphic ventricular tachycardia. Identifiers: Orphanet 3286, MedGen C5574922, MONDO:0017990.

Allele frequency attached by ClinVar (database versions not stated): gnomAD 0.00001; TOPMed 0.00001; gnomAD exomes 0.00001.
gnomAD v4.1: 5 of 1,613,758 alleles (0.00031%); highest among the groups gnomAD compares: Middle Eastern, 0.016%; no homozygotes.

Submissions (7):

Ambry Genetics
Classification: Uncertain significance for Cardiovascular phenotype. Last evaluated: 2026-08-19. Review status: criteria provided, single submitter. Criteria: Ambry Variant Classification Scheme 2023. Collection method: clinical testing. Allele origin: germline.
Comment: The p.H2089Y variant (also known as c.6265C>T), located in coding exon 41 of the RYR2 gene, results from a C to T substitution at nucleotide position 6265. The histidine at codon 2089 is replaced by tyrosine, an amino acid with similar properties. This amino acid position is conserved. In addition, this alteration is predicted to be deleterious by in silico analysis. Based on the available evidence, the clinical significance of this variant remains unclear.

Labcorp Genetics (formerly Invitae), Labcorp
Classification: Uncertain significance for Catecholaminergic polymorphic ventricular tachycardia 1. Last evaluated: 2025-10-23. Review status: criteria provided, single submitter. Criteria: Invitae Variant Classification Sherloc (09022015). Collection method: clinical testing. Allele origin: germline.
Comment: This sequence change replaces histidine, which is basic and polar, with tyrosine, which is neutral and polar, at codon 2089 of the RYR2 protein (p.His2089Tyr). This variant is not present in population databases (gnomAD no frequency). This variant has not been reported in the literature in individuals affected with RYR2-related conditions. ClinVar contains an entry for this variant (Variation ID: 392485). Invitae Evidence Modeling of protein sequence and biophysical properties (such as structural, functional, and spatial information, amino acid conservation, physicochemical variation, residue mobility, and thermodynamic stability) indicates that this missense variant is expected to disrupt RYR2 protein function with a positive predictive value of 80%. In summary, the available evidence is currently insufficient to determine the role of this variant in disease. Therefore, it has been classified as a Variant of Uncertain Significance.

All of Us Research Program, National Institutes of Health
Classification: Uncertain significance for Catecholaminergic polymorphic ventricular tachycardia. Last evaluated: 2024-05-17. Review status: criteria provided, single submitter. Criteria: ACMG Guidelines, 2015. Collection method: clinical testing. Allele origin: germline. Inheritance: Autosomal dominant inheritance. Observed: 5 variant alleles, 5 heterozygotes.
Comment: This missense variant replaces histidine with tyrosine at codon 2089 of the RYR2 protein. Computational prediction suggests that this variant may have deleterious impact on protein structure and function (internally defined REVEL score threshold >= 0.7, PMID: 27666373). To our knowledge, functional studies have not been reported for this variant. This variant has not been reported in individuals affected with cardiovascular disorders in the literature. This variant has not been identified in the general population by the Genome Aggregation Database (gnomAD). The available evidence is insufficient to determine the role of this variant in disease conclusively. Therefore, this variant is classified as a Variant of Uncertain Significance.

This study involves interpretation of variants in research participants for the purpose of population health screening. Participant phenotype was not available at the time of variant classification. Additional details can be found in publication PMID: 35346344, PMCID: PMC8962531

Color Diagnostics, LLC DBA Color Health
Classification: Uncertain significance for Cardiomyopathy. Last evaluated: 2024-03-06. Review status: criteria provided, single submitter. Criteria: ACMG Guidelines, 2015. Collection method: clinical testing. Allele origin: germline.
Comment: This missense variant replaces histidine with tyrosine at codon 2089 of the RYR2 protein. Computational prediction suggests that this variant may have deleterious impact on protein structure and function (internally defined REVEL score threshold >= 0.7, PMID: 27666373). To our knowledge, functional studies have not been reported for this variant. This variant has not been reported in individuals affected with RYR2-related disorders in the literature. This variant has not been identified in the general population by the Genome Aggregation Database (gnomAD). The available evidence is insufficient to determine the role of this variant in disease conclusively. Therefore, this variant is classified as a Variant of Uncertain Significance.

GeneDx
Classification: Uncertain significance. Last evaluated: 2023-06-21. Review status: criteria provided, single submitter. Criteria: GeneDx Variant Classification Process June 2021. Collection method: clinical testing. Allele origin: germline. Affected: yes.
Comment: Not observed at significant frequency in large population cohorts (gnomAD); In silico analysis supports that this missense variant has a deleterious effect on protein structure/function; Has not been previously published as pathogenic or benign to our knowledge

Blueprint Genetics
Classification: Likely benign. Last evaluated: 2022-08-26. Review status: criteria provided, single submitter. Criteria: ACMG Guidelines, 2015. Collection method: clinical testing. Allele origin: germline.

Fulgent Genetics
Classification: Uncertain significance for Ventricular arrhythmias due to cardiac ryanodine receptor calcium release deficiency syndrome; Catecholaminergic polymorphic ventricular tachycardia 1. Last evaluated: 2021-10-25. Review status: criteria provided, single submitter. Criteria: ACMG Guidelines, 2015. Collection method: clinical testing. Allele origin: unknown.